The following is an entry in ClinVar:

NM_032578.4(MYPN):c.2622T>A (p.Asp874Glu)

Gene: MYPN (myopalladin; plus strand). Cytogenetic location: 10q21.3.
Variant type: single nucleotide variant.
Coding change: c.2622T>A on transcript NM_032578.4 (MANE Select); coding-DNA position 2622, T replaced by A.
Protein change: p.Asp874Glu; replaces aspartic acid 874 with glutamic acid.
Molecular consequence: missense variant. On other transcripts: non-coding transcript variant (1).
Genome position (GRCh38, 1-based): chr10:68,175,380, T>A. VCF-style: chr10-68175380-T-A. GRCh37 (hg19) VCF-style: chr10-69935137-T-A.
Other names: c.2622T>A, p.Asp874Glu (NM_001256267.2); c.1740T>A, p.Asp580Glu (NM_001256268.2); short protein forms D580E, D874E.
Identifiers: ClinVar variation 3916693 (VCV003916693.1).

ClinVar aggregate classification (germline): Uncertain significance (1 of 4 stars; one submission).

Conditions:
Cardiovascular phenotype. Identifiers: MedGen CN230736.

gnomAD v4.1: 5 of 1,613,918 alleles (0.00031%); highest among the groups gnomAD compares: Non-Finnish European, 0.00042%; no homozygotes.

Submission:

Ambry Genetics
Classification: Uncertain significance for Cardiovascular phenotype. Last evaluated: 2025-05-06. Review status: criteria provided, single submitter. Criteria: Ambry Variant Classification Scheme 2023. Collection method: clinical testing. Allele origin: germline.
Comment: The p.D874E variant (also known as c.2622T>A), located in coding exon 11 of the MYPN gene, results from a T to A substitution at nucleotide position 2622. The aspartic acid at codon 874 is replaced by glutamic acid, an amino acid with highly similar properties. This amino acid position is conserved. In addition, this alteration is predicted to be tolerated by in silico analysis. Based on the available evidence, the clinical significance of this variant remains unclear.